The following is an entry in ClinVar:

ClinVar aggregate classification (germline): Pathogenic. Review status: criteria provided, multiple submitters, no conflicts (2 of 4 stars). 2 submissions from 2 submitters: Pathogenic (2). Last evaluated 2023-09-07.

Conditions:
Hereditary cancer-predisposing syndrome. Also called: Neoplastic Syndromes, Hereditary; Tumor predisposition; Hereditary Cancer Syndrome; Hereditary neoplastic syndrome. Identifiers: Orphanet 140162, MedGen C0027672, MeSH D009386, MONDO:0015356.
Familial cancer of breast. Also called: BREAST CANCER, FAMILIAL; Hereditary breast cancer; hereditary breast carcinoma. Identifiers: Orphanet 227535, MedGen C0346153, MONDO:0016419, OMIM 114480. Disease mechanism: loss of function.

Submissions (2):

Myriad Genetics, Inc.
Classification: Pathogenic for Familial cancer of breast. Last evaluated: 2023-09-07. Review status: criteria provided, single submitter. Criteria: Myriad Autosomal Dominant, Autosomal Recessive and X-Linked Classification Criteria (2023). Collection method: clinical testing. Allele origin: unknown.
Comment: This variant is considered pathogenic. This variant creates a termination codon and is predicted to result in premature protein truncation.

Ambry Genetics
Classification: Pathogenic for Hereditary cancer-predisposing syndrome. Last evaluated: 2016-05-10. Review status: criteria provided, single submitter. Criteria: Ambry Variant Classification Scheme 2023. Collection method: clinical testing. Allele origin: germline.
Comment: The c.1064delT pathogenic mutation, located in coding exon 4 of the PALB2 gene, results from a deletion of one nucleotide at nucleotide position 1064, causing a translational frameshift with a predicted alternate stop codon. Since frameshifts are typically deleterious in nature, this alteration is interpreted as a disease-causing mutation (ACMG Recommendations for Standards for Interpretation and Reporting of Sequence Variations. Revision 2007. Genet Med. 2008;10:294).

NM_024675.4(PALB2):c.1064del (p.Ser354_Leu355insTer)

Gene: PALB2 (partner and localizer of BRCA2; minus strand). Cytogenetic location: 16p12.2.
Variant type: Deletion.
Coding change: c.1064del on transcript NM_024675.4 (MANE Select); coding-DNA position 1064, one base deleted (T; older notation c.1064delT).
Protein change: p.Ser354_Leu355insTer.
Molecular consequence: nonsense.
Genome position (GRCh38, 1-based): chr16:23,635,482, A deleted on the plus strand (T on the coding strand, the reverse complement: PALB2 is on the minus strand); the first of 3 consecutive A bases (chr16:23,635,482-23,635,484); deleting any one gives the same sequence. VCF-style (leftmost placement, unchanged base first): chr16-23635481-TA-T. GRCh37 (hg19) VCF-style: chr16-23646802-TA-T.
Other names: c.1064delT (NM_024675.3).
Identifiers: ClinVar variation 482027 (VCV000482027.6), dbSNP rs1555461472, ClinGen allele CA658658432.
Genomic context (GRCh38, chr16:23,635,481, plus strand): 5'-TAGAATCTCACTTTCCTGAAGATTTTCATTCCTGCCATCAAGAGTGTCACTGGGAGATTT[TA>T]AAGATTTCTCTGTTTGATTTTGTTCTTTTAAGTTTTGGTTTTCATTTGCTGGTAAGTTAT-3'